The following is an entry in ClinVar:

ClinVar aggregate classification (germline): Uncertain significance (1 of 4 stars; one submission).

Conditions:
Leukocyte adhesion deficiency 1 (LAD1). Also called: LEUKOCYTE ADHESION DEFICIENCY, TYPE I; LAD 1; Lymphocyte function-associated antigen 1 immunodeficiency; LFA 1 immunodeficiency. Identifiers: Orphanet 2968, Orphanet 99842, MedGen C0398738, MONDO:0007293, OMIM 116920.

Submission:

Labcorp Genetics (formerly Invitae), Labcorp
Classification: Uncertain significance for Leukocyte adhesion deficiency 1. Last evaluated: 2021-04-25. Review status: criteria provided, single submitter. Criteria: Invitae Variant Classification Sherloc (09022015). Collection method: clinical testing. Allele origin: germline.
Comment: In summary, the available evidence is currently insufficient to determine the role of this variant in disease. Therefore, it has been classified as a Variant of Uncertain Significance. Algorithms developed to predict the effect of missense changes on protein structure and function output the following: SIFT: "Tolerated"; PolyPhen-2: "Benign"; Align-GVGD: "Class C0". The valine amino acid residue is found in multiple mammalian species, suggesting that this missense change does not adversely affect protein function. These predictions have not been confirmed by published functional studies and their clinical significance is uncertain. This variant has not been reported in the literature in individuals with ITGB2-related conditions. This variant is not present in population databases (ExAC no frequency). This sequence change replaces isoleucine with valine at codon 469 of the ITGB2 protein (p.Ile469Val). The isoleucine residue is highly conserved and there is a small physicochemical difference between isoleucine and valine.

NM_000211.5(ITGB2):c.1405A>G (p.Ile469Val)

Gene: ITGB2 (integrin subunit beta 2; minus strand). Cytogenetic location: 21q22.3.
Variant type: single nucleotide variant.
Coding change: c.1405A>G on transcript NM_000211.5 (MANE Select); coding-DNA position 1405, A replaced by G.
Protein change: p.Ile469Val; replaces isoleucine 469 with valine.
Molecular consequence: missense variant.
Genome position (GRCh38, 1-based): chr21:44,891,816, T>C on the plus strand (A>G on the coding strand, the complement: ITGB2 is on the minus strand). VCF-style: chr21-44891816-T-C. GRCh37 (hg19) VCF-style: chr21-46311731-T-C.
Other names: c.1405A>G, p.Ile469Val (NM_001127491.3); c.1198A>G, p.Ile400Val (NM_001303238.2); short protein forms I400V, I469V.
Identifiers: ClinVar variation 1363343 (VCV001363343.8), dbSNP rs2146504186, ClinGen allele CA410485080.